The following is an entry in ClinVar:

ClinVar aggregate classification (germline): Uncertain significance (1 of 4 stars; one submission).

Conditions:
Cardiovascular phenotype. Identifiers: MedGen CN230736.

Submission:

Ambry Genetics
Classification: Uncertain significance for Cardiovascular phenotype. Last evaluated: 2022-12-31. Review status: criteria provided, single submitter. Criteria: Ambry Variant Classification Scheme 2023. Collection method: clinical testing. Allele origin: germline.
Comment: The p.E85Q variant (also known as c.253G>C), located in coding exon 3 of the SCN3B gene, results from a G to C substitution at nucleotide position 253. The glutamic acid at codon 85 is replaced by glutamine, an amino acid with highly similar properties. This amino acid position is conserved. In addition, this alteration is predicted to be tolerated by in silico analysis. Since supporting evidence is limited at this time, the clinical significance of this alteration remains unclear.

NM_001040151.2(SCN3B):c.253G>C (p.Glu85Gln)

Gene: SCN3B (sodium voltage-gated channel beta subunit 3; minus strand). Cytogenetic location: 11q24.1.
Variant type: single nucleotide variant.
Coding change: c.253G>C on transcript NM_001040151.2 (MANE Select); coding-DNA position 253, G replaced by C.
Protein change: p.Glu85Gln; replaces glutamic acid 85 with glutamine.
Molecular consequence: missense variant.
Genome position (GRCh38, 1-based): chr11:123,642,638, C>G on the plus strand (G>C on the coding strand, the complement: SCN3B is on the minus strand). VCF-style: chr11-123642638-C-G. GRCh37 (hg19) VCF-style: chr11-123513346-C-G.
Other names: c.253G>C, p.Glu85Gln (NM_018400.4); short protein forms E85Q.
Identifiers: ClinVar variation 2448563 (VCV002448563.2), dbSNP rs1555115607, ClinGen allele CA383072508.